The following is an entry in ClinVar:

ClinVar aggregate classification (germline): Conflicting classifications of pathogenicity. Review status: criteria provided, conflicting classifications (1 of 4 stars). 2 submissions from 2 submitters: Uncertain significance (1); Likely benign (1). Last evaluated 2026-03-01.

Conditions:
Cohen-Gibson syndrome (COGIS). Also called: EED-Related Overgrowth. Identifiers: Orphanet 659396, MedGen C4479654, MONDO:0060510, OMIM 617561.

Allele frequency attached by ClinVar (database versions not stated): gnomAD 0.00005; TOPMed 0.00005; ESP Exome Variant Server 0.00008.
gnomAD v4.1: 44 of 1,611,808 alleles (0.0027%); highest among the groups gnomAD compares: Middle Eastern, 0.033%; no homozygotes.

Submissions (3):

CeGaT Center for Human Genetics Tuebingen
Classification: Likely benign. Last evaluated: 2026-03-01. Review status: criteria provided, single submitter. Criteria: CeGaT Center For Human Genetics Tuebingen Variant Classification Criteria Version 2. Collection method: clinical testing. Allele origin: germline. Affected: yes. Observed: 1 variant allele.
Comment: EED: BP4, BP7

Labcorp Genetics (formerly Invitae), Labcorp
Classification: Uncertain significance for Cohen-Gibson syndrome. Last evaluated: 2025-11-04. Review status: criteria provided, single submitter. Criteria: Invitae Variant Classification Sherloc (09022015). Collection method: clinical testing. Allele origin: germline.
Comment: This sequence change affects codon 242 of the EED mRNA. It is a 'silent' change, meaning that it does not change the encoded amino acid sequence of the EED protein. This variant also falls at the last nucleotide of exon 7, which is part of the consensus splice site for this exon. This variant is present in population databases (rs372966988, gnomAD 0.006%). This variant has not been reported in the literature in individuals affected with EED-related conditions. ClinVar contains an entry for this variant (Variation ID: 2854403). Variants that disrupt the consensus splice site are a relatively common cause of aberrant splicing (PMID: 17576681, 9536098). Algorithms developed to predict the effect of sequence changes on RNA splicing suggest that this variant is not likely to affect RNA splicing. In summary, the available evidence is currently insufficient to determine the role of this variant in disease. Therefore, it has been classified as a Variant of Uncertain Significance.

Dr. Peter K. Rogan Lab, Western University
No classification provided (evidence only). Condition: Adrenocortical carcinoma, hereditary. Review status: no classification provided. Collection method: in vitro. Allele origin: not applicable. Functional consequence: retained intron. Not counted in ClinVar's aggregate classification.

Literature cited by the submitters: PubMed 17576681 (cited by Labcorp Genetics (formerly Invitae), Labcorp); PubMed 9536098 (cited by Labcorp Genetics (formerly Invitae), Labcorp).

NM_003797.5(EED):c.726T>C (p.Ala242=)

Gene: EED (embryonic ectoderm development; plus strand). Cytogenetic location: 11q14.2.
Variant type: single nucleotide variant.
Coding change: c.726T>C on transcript NM_003797.5 (MANE Select); coding-DNA position 726, T replaced by C.
Protein change: p.Ala242=; no amino-acid change (alanine 242 retained).
Molecular consequence: synonymous variant.
Genome position (GRCh38, 1-based): chr11:86,264,263, T>C. VCF-style: chr11-86264263-T-C. GRCh37 (hg19) VCF-style: chr11-85975305-T-C.
Other names: c.726T>C, p.Ala242= (NM_001308007.2, NM_001330334.2).
Identifiers: ClinVar variation 2854403 (VCV002854403.8), dbSNP rs372966988, ClinGen allele CA6216483.